The following is an entry in ClinVar:

NM_024753.5(TTC21B):c.2192C>A (p.Ala731Glu)

Gene: TTC21B (tetratricopeptide repeat domain 21B; minus strand). Cytogenetic location: 2q24.3.
Variant type: single nucleotide variant.
Coding change: c.2192C>A on transcript NM_024753.5 (MANE Select); coding-DNA position 2192, C replaced by A.
Protein change: p.Ala731Glu; replaces alanine 731 with glutamic acid.
Molecular consequence: missense variant.
Genome position (GRCh38, 1-based): chr2:165,913,593, G>T on the plus strand (C>A on the coding strand, the complement: TTC21B is on the minus strand). VCF-style: chr2-165913593-G-T. GRCh37 (hg19) VCF-style: chr2-166770103-G-T.
Other names: short protein forms A731E.
Identifiers: ClinVar variation 4985145 (VCV004985145.1).
Genomic context (GRCh38, chr2:165,913,593, plus strand): 5'-AATTTTTTAAAAATGCAGTTCAGTAACATCAGAAATTTTACCTCTAGAATATTCATGTAT[G>T]CATCACCAAGGAGAAGAAAAGACCGAGGGTTAGCCATTCTTTCAGCAATTTCTCTGGAAA-3'
Protein context (NP_079029.3, residues 721-741): NPRSFLLLGD[Ala731Glu]YMNILEPEEA

ClinVar aggregate classification (germline): Uncertain significance (1 of 4 stars; one submission).

Conditions:
TTC21B-related disorder. Also called: TTC21B-related condition; TTC21B-related disorders.

gnomAD v4.1: 9 of 1,612,272 alleles (0.00056%); highest among the groups gnomAD compares: African/African-American, 0.0013%; no homozygotes.

Submission:

PreventionGenetics, part of Exact Sciences
Classification: Uncertain significance for TTC21B-related condition. Last evaluated: 2026-02-10. Review status: criteria provided, single submitter. Criteria: ACMG Guidelines, 2015. Collection method: clinical testing. Allele origin: germline.
Comment: The TTC21B c.2192C>A variant is predicted to result in the amino acid substitution p.Ala731Glu. This variant was reported in an individual with nephronophthisis who also had a second pathogenic variant in TTC21B (Petzold et al. 2023. PubMed ID: 37230223). This variant is reported in 0.00088% of alleles in individuals of European (Non-Finnish) descent in gnomAD. At this time, the clinical significance of this variant is uncertain due to the absence of conclusive functional and genetic evidence.